The following is an entry in ClinVar:

NM_003072.5(SMARCA4):c.218A>G (p.His73Arg)

Gene: SMARCA4 (SWI/SNF related BAF chromatin remodeling complex subunit ATPase 4; plus strand). Cytogenetic location: 19p13.2.
Variant type: single nucleotide variant.
Coding change: c.218A>G on transcript NM_003072.5 (MANE Select); coding-DNA position 218, A replaced by G.
Protein change: p.His73Arg; replaces histidine 73 with arginine.
Molecular consequence: missense variant. On other transcripts: non-coding transcript variant (1).
Genome position (GRCh38, 1-based): chr19:10,984,369, A>G. VCF-style: chr19-10984369-A-G. GRCh37 (hg19) VCF-style: chr19-11095045-A-G.
Other names: c.218A>G, p.His73Arg (NM_001128844.3, NM_001128845.2, NM_001128846.2 and 5 more transcripts); short protein forms H73R.
Identifiers: ClinVar variation 238393 (VCV000238393.21), dbSNP rs748147246, ClinGen allele CA9203413.

ClinVar aggregate classification (germline): Conflicting classifications of pathogenicity. Review status: criteria provided, conflicting classifications (1 of 4 stars). 6 submissions from 6 submitters: Uncertain significance (4); Likely benign (2). Last evaluated 2026-07-30.

Conditions:
Hereditary cancer-predisposing syndrome. Also called: Hereditary Cancer Syndrome; Tumor predisposition; Hereditary neoplastic syndrome; Neoplastic Syndromes, Hereditary. Identifiers: Orphanet 140162, MedGen C0027672, MeSH D009386, MONDO:0015356.
Intellectual disability, autosomal dominant 16 (CSS4). Also called: COFFIN-SIRIS SYNDROME 4. Identifiers: Orphanet 1465, MedGen C3553249, MONDO:0013821, OMIM 614609.
Rhabdoid tumor predisposition syndrome 2 (RTPS2). Identifiers: Orphanet 231108, Orphanet 69077, MedGen C2750074, MONDO:0013224, OMIM 613325.

Allele frequency attached by ClinVar (database versions not stated): TOPMed below 0.00001; gnomAD 0.00001; ExAC 0.00002; gnomAD exomes 0.00001.
gnomAD v4.1: 21 of 1,583,962 alleles (0.0013%); highest among the groups gnomAD compares: Non-Finnish European, 0.0018%; no homozygotes.

Submissions (6):

GeneDx
Classification: Uncertain significance. Last evaluated: 2026-07-30. Review status: criteria provided, single submitter. Criteria: GeneDx Variant Classification Process June 2021. Collection method: clinical testing. Allele origin: germline.
Comment: In silico analysis supports that this missense variant has a deleterious effect on protein structure/function; Has not been previously published as pathogenic or benign to our knowledge

Myriad Genetics, Inc.
Classification: Likely benign for Rhabdoid tumor predisposition syndrome 2. Last evaluated: 2026-07-06. Review status: criteria provided, single submitter. Criteria: Myriad Autosomal Dominant, Autosomal Recessive and X-Linked Classification Criteria (2023). Collection method: clinical testing. Allele origin: unknown.
Comment: This variant is considered likely benign. This variant has been observed at a population frequency that is significantly greater than expected given the associated disease prevalence and penetrance.

Labcorp Genetics (formerly Invitae), Labcorp
Classification: Uncertain significance for Rhabdoid tumor predisposition syndrome 2. Last evaluated: 2026-01-18. Review status: criteria provided, single submitter. Criteria: Invitae Variant Classification Sherloc (09022015). Collection method: clinical testing. Allele origin: germline.
Comment: This sequence change replaces histidine, which is basic and polar, with arginine, which is basic and polar, at codon 73 of the SMARCA4 protein (p.His73Arg). This variant is present in population databases (rs748147246, gnomAD 0.003%). This variant has not been reported in the literature in individuals affected with SMARCA4-related conditions. ClinVar contains an entry for this variant (Variation ID: 238393). Invitae Evidence Modeling of protein sequence and biophysical properties (such as structural, functional, and spatial information, amino acid conservation, physicochemical variation, residue mobility, and thermodynamic stability) indicates that this missense variant is not expected to disrupt SMARCA4 protein function with a negative predictive value of 95%. In summary, the available evidence is currently insufficient to determine the role of this variant in disease. Therefore, it has been classified as a Variant of Uncertain Significance.

Baylor Genetics
Classification: Uncertain significance for Rhabdoid tumor predisposition syndrome 2. Last evaluated: 2024-03-15. Review status: criteria provided, single submitter. Criteria: ACMG Guidelines, 2015. Collection method: clinical testing. Allele origin: unknown.

Genome-Nilou Lab
Classification: Uncertain significance for Intellectual disability, autosomal dominant 16. Last evaluated: 2021-07-15. Review status: criteria provided, single submitter. Criteria: ACMG Guidelines, 2015. Collection method: clinical testing. Allele origin: germline. Affected: no.

Ambry Genetics
Classification: Likely benign for Hereditary cancer-predisposing syndrome. Last evaluated: 2021-03-22. Review status: criteria provided, single submitter. Criteria: Ambry Variant Classification Scheme 2023. Collection method: clinical testing. Allele origin: germline.